The following is an entry in ClinVar:

ClinVar aggregate classification (germline): Uncertain significance (1 of 4 stars; one submission).

Conditions:
Congenital disorder of glycosylation (CDG). Also called: Carbohydrate-deficient glycoprotein syndrome; Congenital disorders of glycosylation. Identifiers: Orphanet 137, MedGen C0282577, MONDO:0015286.

gnomAD v4.1: 1 of 1,614,090 alleles (0.000062%); highest among the groups gnomAD compares: Non-Finnish European, 0.000085%; no homozygotes.

Submission:

Labcorp Genetics (formerly Invitae), Labcorp
Classification: Uncertain significance for Congenital disorder of glycosylation. Last evaluated: 2023-12-19. Review status: criteria provided, single submitter. Criteria: Invitae Variant Classification Sherloc (09022015). Collection method: clinical testing. Allele origin: germline.
Comment: This sequence change replaces arginine, which is basic and polar, with leucine, which is neutral and non-polar, at codon 266 of the RPN2 protein (p.Arg266Leu). This variant is present in population databases (no rsID available, gnomAD 0.0009%). This variant has not been reported in the literature in individuals affected with RPN2-related conditions. An algorithm developed to predict the effect of missense changes on protein structure and function (PolyPhen-2) suggests that this variant is likely to be tolerated. In summary, the available evidence is currently insufficient to determine the role of this variant in disease. Therefore, it has been classified as a Variant of Uncertain Significance.

NM_002951.5(RPN2):c.797G>T (p.Arg266Leu)

Gene: RPN2 (ribophorin II; plus strand). Cytogenetic location: 20q11.23.
Variant type: single nucleotide variant.
Coding change: c.797G>T on transcript NM_002951.5 (MANE Select); coding-DNA position 797, G replaced by T.
Protein change: p.Arg266Leu; replaces arginine 266 with leucine.
Molecular consequence: missense variant.
Genome position (GRCh38, 1-based): chr20:37,207,379, G>T. VCF-style: chr20-37207379-G-T. GRCh37 (hg19) VCF-style: chr20-35835782-G-T.
Other names: c.845G>T, p.Arg282Leu (NM_001324305.2, NM_001324301.2); c.326G>T, p.Arg109Leu (NM_001324306.2); c.701G>T, p.Arg234Leu (NM_001135771.3); c.797G>T, p.Arg266Leu (NM_001324299.2, NM_001324302.2, NM_001324303.2 and 1 more transcripts); short protein forms R234L, R109L, R266L, R282L.
Identifiers: ClinVar variation 2718632 (VCV002718632.3), dbSNP rs1244111768, ClinGen allele CA408845667.
Genomic context (GRCh38, chr20:37,207,379, plus strand): 5'-TTGAGTCCCTCTCCGAAGCCTTCAGCGTGGCCTCTGCAGCTGCTGTGCTCTCGCATAATC[G>T]CTACCACGTGCCAGTTGTGGTTGTGCCTGAGGGCTCTGCTTCCGACACTCATGAACAGGC-3'
Protein context (NP_002942.2, residues 256-276): ASAAAVLSHN[Arg266Leu]YHVPVVVVPE